The following is an entry in ClinVar:

NM_173546.3(KLHDC8B):c.797G>A (p.Arg266His)

Gene: KLHDC8B (kelch domain containing 8B; plus strand). Cytogenetic location: 3p21.31.
Variant type: single nucleotide variant.
Coding change: c.797G>A on transcript NM_173546.3 (MANE Select); coding-DNA position 797, G replaced by A.
Protein change: p.Arg266His; replaces arginine 266 with histidine.
Molecular consequence: missense variant.
Genome position (GRCh38, 1-based): chr3:49,175,092, G>A. VCF-style: chr3-49175092-G-A. GRCh37 (hg19) VCF-style: chr3-49212525-G-A.
Other names: short protein forms R266H.
Identifiers: ClinVar variation 2907027 (VCV002907027.3), dbSNP rs1052033483, ClinGen allele CA74525225.

ClinVar aggregate classification (germline): Uncertain significance (1 of 4 stars; one submission).

Allele frequency attached by ClinVar (database versions not stated): TOPMed 0.00001; gnomAD 0.00002.
gnomAD v4.1: 39 of 1,614,038 alleles (0.0024%); highest among the groups gnomAD compares: Middle Eastern, 0.033%; no homozygotes.

Submission:

Labcorp Genetics (formerly Invitae), Labcorp
Classification: Uncertain significance. Last evaluated: 2025-11-03. Review status: criteria provided, single submitter. Criteria: Invitae Variant Classification Sherloc (09022015). Collection method: clinical testing. Allele origin: germline.
Comment: This sequence change replaces arginine, which is basic and polar, with histidine, which is basic and polar, at codon 266 of the KLHDC8B protein (p.Arg266His). This variant is present in population databases (no rsID available, gnomAD 0.0009%). This variant has not been reported in the literature in individuals affected with KLHDC8B-related conditions. ClinVar contains an entry for this variant (Variation ID: 2907027). An algorithm developed to predict the effect of missense changes on protein structure and function (PolyPhen-2) suggests that this variant is likely to be disruptive. In summary, the available evidence is currently insufficient to determine the role of this variant in disease. Therefore, it has been classified as a Variant of Uncertain Significance.